The following is an entry in ClinVar:

NM_016034.5(MRPS2):c.562C>T (p.Arg188Cys)

Genes: MRPS2 (mitochondrial ribosomal protein S2; plus strand), LOC101928525 (uncharacterized LOC101928525; minus strand). Cytogenetic location: 9q34.3.
Variant type: single nucleotide variant.
Coding change: c.562C>T on transcript NM_016034.5 (MANE Select); coding-DNA position 562, C replaced by T.
Protein change: p.Arg188Cys; replaces arginine 188 with cysteine.
Molecular consequence: missense variant. On other transcripts: non-coding transcript variant (4).
Genome position (GRCh38, 1-based): chr9:135,503,804, C>T. VCF-style: chr9-135503804-C-T. GRCh37 (hg19) VCF-style: chr9-138395650-C-T.
Other names: c.562C>T, p.Arg188Cys (NM_001371401.1); short protein forms R188C.
Identifiers: ClinVar variation 4886910 (VCV004886910.1).

ClinVar aggregate classification (germline): Uncertain significance (1 of 4 stars; one submission).

Conditions:
Combined oxidative phosphorylation deficiency 36 (COXPD36). Identifiers: MedGen C4693722, MONDO:0054781, OMIM 617950.

gnomAD v4.1: 10 of 1,613,096 alleles (0.00062%); highest among the groups gnomAD compares: Admixed American, 0.005%; no homozygotes.

Submission:

Kasturba Medical College, Manipal, Kasturba Medical College, Manipal, Manipal Academy of Higher Education, Manipal, India
Classification: Uncertain significance for Combined oxidative phosphorylation deficiency 36. Last evaluated: 2026-01-19. Review status: criteria provided, single submitter. Criteria: ACMG Guidelines, 2015. Collection method: research. Allele origin: biparental. Inheritance: Autosomal recessive inheritance. Affected: yes. Observed: 1 variant allele, 1 homozygote.
Comment: This variant is present in ten individuals in heterozygous state and absent in homozygous state in the population database gnomAD (v4.1.0). This variant is observed in two heterozygous individuals and absent in homozygous state in our in-house database of 3,850 exomes. In silico prediction tools (CADD_phred, MutationTaster), predict this variant to be damaging to MRPS2 protein function.